The following is an entry in ClinVar:

NM_022114.4(PRDM16):c.2505C>T (p.Ala835=)

Gene: PRDM16 (PR/SET domain 16; plus strand). Cytogenetic location: 1p36.32.
Variant type: single nucleotide variant.
Coding change: c.2505C>T on transcript NM_022114.4 (MANE Select); coding-DNA position 2505, C replaced by T.
Protein change: p.Ala835=; no amino-acid change (alanine 835 retained).
Molecular consequence: synonymous variant.
Genome position (GRCh38, 1-based): chr1:3,412,702, C>T. VCF-style: chr1-3412702-C-T. GRCh37 (hg19) VCF-style: chr1-3329266-C-T.
Other names: c.2505C>T, p.Ala835= (NM_199454.3).
Identifiers: ClinVar variation 510505 (VCV000510505.13), dbSNP rs762623730, ClinGen allele CA544493.

ClinVar aggregate classification (germline): Conflicting classifications of pathogenicity. Review status: criteria provided, conflicting classifications (1 of 4 stars). 3 submissions from 3 submitters: Uncertain significance (1); Likely benign (2). Last evaluated 2025-12-02.

Conditions:
Left ventricular noncompaction 8 (LVNC8). Identifiers: Orphanet 154, Orphanet 54260, MedGen C3809288, MONDO:0014152, OMIM 615373.

Allele frequency attached by ClinVar (database versions not stated): gnomAD exomes 0.00002 and 0.00006; gnomAD 0.00004 and 0.00005; TOPMed 0.00006; ExAC 0.00018.
gnomAD v4.1: 34 of 1,495,102 alleles (0.0023%); highest among the groups gnomAD compares: South Asian, 0.012%; no homozygotes.

Submissions (3):

Clinical Genomics Laboratory, Washington University in St. Louis
Classification: Uncertain significance for Left ventricular noncompaction 8. Last evaluated: 2025-12-02. Review status: criteria provided, single submitter. Criteria: ACMG Guidelines, 2015. Collection method: clinical testing. Allele origin: germline.
Comment: A PRDM16 c.2505C>T (p.Ala835=) variant was identified in a heterozygous state. This variant, to our knowledge, has not been reported in the medical literature. This variant has been reported in the ClinVar database as a germline likely benign variant by two submitters (Variation ID: 510505). This variant is observed on 7/134,480 alleles in the general population (gnomAD v2.1.1). Computational predictors indicate that the variant has no impact on splicing, evidence that this variant does not have a damaging effect on PRDM16 function. The clinical significance of this variant is uncertain.

Labcorp Genetics (formerly Invitae), Labcorp
Classification: Likely benign for Left ventricular noncompaction 8. Last evaluated: 2025-06-14. Review status: criteria provided, single submitter. Criteria: Invitae Variant Classification Sherloc (09022015). Collection method: clinical testing. Allele origin: germline.

GeneDx
Classification: Likely benign. Last evaluated: 2021-08-05. Review status: criteria provided, single submitter. Criteria: GeneDx Variant Classification Process June 2021. Collection method: clinical testing. Allele origin: germline. Affected: yes.